The following is an entry in ClinVar:

NM_020184.4(CNNM4):c.2102G>A (p.Arg701Gln)

Gene: CNNM4 (cyclin and CBS domain divalent metal cation transport mediator 4; plus strand). Cytogenetic location: 2q11.2.
Variant type: single nucleotide variant.
Coding change: c.2102G>A on transcript NM_020184.4 (MANE Select); coding-DNA position 2102, G replaced by A.
Protein change: p.Arg701Gln; replaces arginine 701 with glutamine.
Molecular consequence: missense variant.
Genome position (GRCh38, 1-based): chr2:96,808,714, G>A. VCF-style: chr2-96808714-G-A. GRCh37 (hg19) VCF-style: chr2-97474451-G-A.
Other names: short protein forms R701Q.
Identifiers: ClinVar variation 1904775 (VCV001904775.2), dbSNP rs1171467541, ClinGen allele CA347708832.

ClinVar aggregate classification (germline): Uncertain significance (1 of 4 stars; one submission).

Allele frequency attached by ClinVar (database versions not stated): TOPMed 0.00001.

Submission:

Labcorp Genetics (formerly Invitae), Labcorp
Classification: Uncertain significance. Last evaluated: 2022-03-11. Review status: criteria provided, single submitter. Criteria: Invitae Variant Classification Sherloc (09022015). Collection method: clinical testing. Allele origin: germline.
Comment: This sequence change replaces arginine, which is basic and polar, with glutamine, which is neutral and polar, at codon 701 of the CNNM4 protein (p.Arg701Gln). This variant is not present in population databases (gnomAD no frequency). This variant has not been reported in the literature in individuals affected with CNNM4-related conditions. Algorithms developed to predict the effect of missense changes on protein structure and function are either unavailable or do not agree on the potential impact of this missense change (SIFT: "Tolerated"; PolyPhen-2: "Probably Damaging"; Align-GVGD: "Class C0"). In summary, the available evidence is currently insufficient to determine the role of this variant in disease. Therefore, it has been classified as a Variant of Uncertain Significance.